The following is an entry in ClinVar:

NM_001035.3(RYR2):c.7200A>T (p.Gly2400=)

Gene: RYR2 (ryanodine receptor 2; plus strand). Cytogenetic location: 1q43.
Variant type: single nucleotide variant.
Coding change: c.7200A>T on transcript NM_001035.3 (MANE Select); coding-DNA position 7200, A replaced by T.
Protein change: p.Gly2400=; no amino-acid change (glycine 2400 retained).
Molecular consequence: synonymous variant.
Genome position (GRCh38, 1-based): chr1:237,640,981, A>T. VCF-style: chr1-237640981-A-T. GRCh37 (hg19) VCF-style: chr1-237804281-A-T.
Identifiers: ClinVar variation 1078958 (VCV001078958.12), dbSNP rs777117043, ClinGen allele CA075570.

ClinVar aggregate classification (germline): Likely benign. Review status: criteria provided, multiple submitters, no conflicts (2 of 4 stars). 3 submissions from 3 submitters: Likely benign (3). Last evaluated 2026-01-12.

Conditions:
Catecholaminergic polymorphic ventricular tachycardia (CVPT). Also called: Catecholamine-induced polymorphic ventricular tachycardia. Identifiers: Orphanet 3286, MedGen C5574922, MONDO:0017990.
Catecholaminergic polymorphic ventricular tachycardia 1. Also called: VENTRICULAR TACHYCARDIA, CATECHOLAMINERGIC POLYMORPHIC, 1, WITH OR WITHOUT ATRIAL DYSFUNCTION AND/OR DILATED CARDIOMYOPATHY; VENTRICULAR TACHYCARDIA, STRESS-INDUCED POLYMORPHIC 1; RYR2-Related Catecholaminergic Polymorphic Ventricular Tachycardia. Identifiers: Orphanet 3286, MedGen C1631597, MONDO:0011484, OMIM 604772.

Allele frequency attached by ClinVar (database versions not stated): gnomAD exomes below 0.00001 and 0.00001; ExAC 0.00001; TOPMed 0.00002.
gnomAD v4.1: 3 of 1,612,698 alleles (0.00019%); highest among the groups gnomAD compares: Non-Finnish European, 0.00025%; no homozygotes.

Submissions (3):

Women's Health and Genetics/Laboratory Corporation of America, LabCorp
Classification: Likely benign. Last evaluated: 2026-01-12. Review status: criteria provided, single submitter. Criteria: LabCorp Variant Classification Summary - May 2015. Collection method: clinical testing. Allele origin: germline.

Labcorp Genetics (formerly Invitae), Labcorp
Classification: Likely benign for Catecholaminergic polymorphic ventricular tachycardia 1. Last evaluated: 2024-08-11. Review status: criteria provided, single submitter. Criteria: Invitae Variant Classification Sherloc (09022015). Collection method: clinical testing. Allele origin: germline.

All of Us Research Program, National Institutes of Health
Classification: Likely benign for Catecholaminergic polymorphic ventricular tachycardia. Last evaluated: 2023-07-10. Review status: criteria provided, single submitter. Criteria: ACMG Guidelines, 2015. Collection method: clinical testing. Allele origin: germline. Inheritance: Autosomal dominant inheritance. Observed: 1 variant allele, 1 heterozygote.
Comment: This study involves interpretation of variants in research participants for the purpose of population health screening. Participant phenotype was not available at the time of variant classification. Additional details can be found in publication PMID: 35346344, PMCID: PMC8962531